The following is an entry in ClinVar:

ClinVar aggregate classification (germline): Conflicting classifications of pathogenicity. Review status: criteria provided, conflicting classifications (1 of 4 stars). 12 submissions from 12 submitters: Uncertain significance (2); Benign (1); Likely benign (6). 3 of the submissions do not count toward it. Last evaluated 2026-01-05.

Conditions:
Inherited prostate cancer.
BRCA2-related disorder. Also called: BRCA2-related condition; BRCA2-related disorders. Identifiers: MedGen CN239275.
Hereditary cancer-predisposing syndrome. Also called: Hereditary neoplastic syndrome; Tumor predisposition; Hereditary Cancer Syndrome; Neoplastic Syndromes, Hereditary. Identifiers: Orphanet 140162, MedGen C0027672, MeSH D009386, MONDO:0015356.
Chordoma. Identifiers: Orphanet 178, MedGen C0008487, MONDO:0008978, HP:0010762.
Hereditary breast ovarian cancer syndrome. Also called: Breast and ovarian cancer; Hereditary breast and/or ovarian cancer syndrome; BRCA1- and BRCA2-Associated Hereditary Breast and Ovarian Cancer; Hereditary breast and ovarian cancer syndrome; Hereditary breast and ovarian cancer; Hereditary breast and ovarian cancer syndrome (HBOC). Identifiers: Orphanet 145, MedGen C0677776, MeSH D061325, MONDO:0003582. Disease mechanism: loss of function.
Breast-ovarian cancer, familial, susceptibility to, 2 (BROVCA2). Also called: BRCA2 Hereditary Breast and Ovarian Cancer. Identifiers: Orphanet 145, MedGen C2675520, MONDO:0012933, OMIM 612555. Disease mechanism: loss of function.

Allele frequency attached by ClinVar (database versions not stated): gnomAD exomes below 0.00001 and 0.00002; TOPMed below 0.00001; ExAC 0.00001; gnomAD 0.00003.
gnomAD v4.1: 36 of 1,614,240 alleles (0.0022%); highest among the groups gnomAD compares: Non-Finnish European, 0.0028%; no homozygotes.

Submissions (12):

Labcorp Genetics (formerly Invitae), Labcorp
Classification: Likely benign for Hereditary breast ovarian cancer syndrome. Last evaluated: 2026-01-05. Review status: criteria provided, single submitter. Criteria: Invitae Variant Classification Sherloc (09022015). Collection method: clinical testing. Allele origin: germline.

PreventionGenetics, part of Exact Sciences
Classification: Likely benign for BRCA2-related condition. Last evaluated: 2025-12-31. Review status: criteria provided, single submitter. Criteria: ACMG Guidelines, 2015. Collection method: clinical testing. Allele origin: germline.
Comment: This variant is classified as likely benign based on ACMG/AMP sequence variant interpretation guidelines (Richards et al. 2015 PMID: 25741868, with internal and published modifications).

Women's Health and Genetics/Laboratory Corporation of America, LabCorp
Classification: Likely benign. Last evaluated: 2025-10-30. Review status: criteria provided, single submitter. Criteria: LabCorp Variant Classification Summary - May 2015. Collection method: clinical testing. Allele origin: germline.
Comment: Variant summary: BRCA2 c.7565C>T (p.Ser2522Phe) results in a non-conservative amino acid change in the encoded protein sequence. Algorithms developed to predict the effect of missense changes on protein structure and function all suggest that this variant is likely to be disruptive. The variant allele was found at a frequency of 4e-06 in 251136 control chromosomes. The available data on variant occurrences in the general population are insufficient to allow any conclusion about variant significance. c.7565C>T has been observed in individual(s) affected with epithelial ovarian cancer and breast cancerHereditary without strong evidence for causality (Salgado_2005, Caux-Moncoutier_2011, Cunningham_2014, Fortuno_2024). These report(s) do not provide unequivocal conclusions about association of the variant with Hereditary Breast And Ovarian Cancer Syndrome. At least one publication reports experimental evidence evaluating an impact on protein function. These results showed no damaging effect of this variant using a validated homology-directed double-strand DNA break repair (HDR) functional assay (Hu_2022). The following publications have been ascertained in the context of this evaluation (PMID: 21120943, 24504028, 39402389, 35736817, 19043619, 15944772, 25782689). ClinVar contains an entry for this variant (Variation ID: 38104). Based on the evidence outlined above, the variant was classified as likely benign.

Quest Diagnostics Nichols Institute San Juan Capistrano
Classification: Uncertain significance. Last evaluated: 2025-04-29. Review status: criteria provided, single submitter. Criteria: Quest Diagnostics criteria. Collection method: clinical testing. Allele origin: unknown.
Comment: The BRCA2 c.7565C>T (p.Ser2522Phe) variant has been reported in individuals with breast cancer (PMID: 15944772 (2005), 3471991 (2021), see also LOVD), ovarian cancer (PMID: 24504028 (2014)), and prostate cancer (PMID: 24556621 (2014)). Functional studies indicated that this variant does not disrupt the homology-directed DNA repair function of the BRCA2 protein (PMIDs: 29394989 (2018), 29884841 (2019), and 35736817 (2022)). The frequency of this variant in the general population (Genome Aggregation Database) is uninformative in the assessment of its pathogenicity. Analysis of this variant using bioinformatics tools for the prediction of the effect of amino acid changes on protein structure and function yielded predictions that this variant is damaging. Based on the available information, we are unable to determine the clinical significance of this variant.

Genomics and Molecular Medicine Service, East Genomic Laboratory Hub, NHS Genomic Medicine Service
Classification: Uncertain significance for Inherited prostate cancer. Last evaluated: 2024-10-24. Review status: criteria provided, single submitter. Criteria: ACGS Best Practice Guidelines for Variant Classification in Rare Disease 2020. Collection method: clinical testing. Allele origin: germline. Affected: yes.
Comment: PM1_Supporting,PP3,BS3_Strong

Ambry Genetics
Classification: Likely benign for Hereditary cancer-predisposing syndrome. Last evaluated: 2020-02-25. Review status: criteria provided, single submitter. Criteria: Ambry Variant Classification Scheme 2023. Collection method: clinical testing. Allele origin: germline.

GeneDx
Classification: Likely benign. Last evaluated: 2019-06-12. Review status: criteria provided, single submitter. Criteria: GeneDx Variant Classification Process June 2021. Collection method: clinical testing. Allele origin: germline. Affected: yes.
Comment: This variant is associated with the following publications: (PMID: 21120943, 11873550, 19043619, 25782689, 15944772, 19471317, 24504028, 24556621, 29394989, 29884841)

Mendelics
Classification: Benign for Breast-ovarian cancer, familial, susceptibility to, 2. Last evaluated: 2019-05-28. Review status: criteria provided, single submitter. Criteria: Mendelics Assertion Criteria 2017. Collection method: clinical testing. Allele origin: unknown.

Color Diagnostics, LLC DBA Color Health
Classification: Likely benign for Hereditary cancer-predisposing syndrome. Last evaluated: 2018-06-21. Review status: criteria provided, single submitter. Criteria: ACMG Guidelines, 2015. Collection method: clinical testing. Allele origin: germline.

Integrative Tumor Epidemiology Branch, National Institutes of Health
Classification: Uncertain significance for Chordoma. Last evaluated: 2021-03-22. Review status: no assertion criteria provided. Collection method: research. Allele origin: germline. Affected: yes. Observed: 1 variant allele. Not counted in ClinVar's aggregate classification.
Comment: No impact on ES cell survival or drug sensitivity (no impact on BRCA2 function)

Breast Cancer Information Core (BIC) (BRCA2)
Classification: Uncertain significance for Breast-ovarian cancer, familial 2. Last evaluated: 2013-05-21. Review status: no assertion criteria provided. Collection method: clinical testing. Allele origin: germline. Affected: yes. Observed: 4 variant alleles. Not counted in ClinVar's aggregate classification.

Sharing Clinical Reports Project (SCRP)
Classification: Likely benign for Breast-ovarian cancer, familial 2. Last evaluated: 2012-04-27. Review status: no assertion criteria provided. Collection method: clinical testing. Allele origin: germline. Not counted in ClinVar's aggregate classification.

Literature cited by the submitters: PubMed 19043619 (cited by 3 submitters); PubMed 21120943 (cited by Women's Health and Genetics/Laboratory Corporation of America, LabCorp and Quest Diagnostics Nichols Institute San Juan Capistrano); PubMed 24504028 (cited by Women's Health and Genetics/Laboratory Corporation of America, LabCorp and Quest Diagnostics Nichols Institute San Juan Capistrano); PubMed 25782689 (cited by Women's Health and Genetics/Laboratory Corporation of America, LabCorp and Quest Diagnostics Nichols Institute San Juan Capistrano); PubMed 15944772 (cited by Women's Health and Genetics/Laboratory Corporation of America, LabCorp and Quest Diagnostics Nichols Institute San Juan Capistrano); PubMed 35736817 (cited by Women's Health and Genetics/Laboratory Corporation of America, LabCorp and Quest Diagnostics Nichols Institute San Juan Capistrano); PubMed 39402389 (cited by Women's Health and Genetics/Laboratory Corporation of America, LabCorp); PubMed 33471991 (cited by Quest Diagnostics Nichols Institute San Juan Capistrano); PubMed 11873550 (cited by Quest Diagnostics Nichols Institute San Juan Capistrano and Ambry Genetics); PubMed 24556621 (cited by Quest Diagnostics Nichols Institute San Juan Capistrano and Ambry Genetics); PubMed 29394989 (cited by Quest Diagnostics Nichols Institute San Juan Capistrano and Ambry Genetics); PubMed 29884841 (cited by Quest Diagnostics Nichols Institute San Juan Capistrano).

NM_000059.4(BRCA2):c.7565C>T (p.Ser2522Phe)

Gene: BRCA2 (BRCA2 DNA repair associated; plus strand). Cytogenetic location: 13q13.1.
Variant type: single nucleotide variant.
Coding change: c.7565C>T on transcript NM_000059.4 (MANE Select); coding-DNA position 7565, C replaced by T.
Protein change: p.Ser2522Phe; replaces serine 2522 with phenylalanine.
Molecular consequence: missense variant.
Genome position (GRCh38, 1-based): chr13:32,356,557, C>T. VCF-style: chr13-32356557-C-T. GRCh37 (hg19) VCF-style: chr13-32930694-C-T.
Other names: p.S2522F:TCT>TTT; 7793C>T; short protein forms S2522F.
Identifiers: ClinVar variation 38104 (VCV000038104.30), dbSNP rs80358985, ClinGen allele CA025154.